The following is an entry in ClinVar:

NM_020719.3(PRR12):c.423C>T (p.Thr141=)

Gene: PRR12 (proline rich 12; plus strand). Cytogenetic location: 19q13.33.
Variant type: single nucleotide variant.
Coding change: c.423C>T on transcript NM_020719.3 (MANE Select); coding-DNA position 423, C replaced by T.
Protein change: p.Thr141=; no amino-acid change (threonine 141 retained).
Molecular consequence: synonymous variant.
Genome position (GRCh38, 1-based): chr19:49,594,758, C>T. VCF-style: chr19-49594758-C-T. GRCh37 (hg19) VCF-style: chr19-50098015-C-T.
Identifiers: ClinVar variation 3029504 (VCV003029504.2), dbSNP rs1465995483, ClinGen allele CA508287630.

ClinVar aggregate classification (germline): Likely benign (0 of 4 stars; one submission).

Conditions:
PRR12-related disorder. Also called: PRR12-related condition.

Allele frequency attached by ClinVar (database versions not stated): TOPMed below 0.00001; gnomAD 0.00001.
gnomAD v4.1: 1 of 1,613,440 alleles (0.000062%); highest among the groups gnomAD compares: Non-Finnish European, 0.000085%; no homozygotes.

Submission:

PreventionGenetics, part of Exact Sciences
Classification: Likely benign for PRR12-related condition. Last evaluated: 2021-12-31. Review status: no assertion criteria provided. Collection method: clinical testing. Allele origin: germline.
Comment: This variant is classified as likely benign based on ACMG/AMP sequence variant interpretation guidelines (Richards et al. 2015 PMID: 25741868, with internal and published modifications).